The following is an entry in ClinVar:

ClinVar aggregate classification (germline): Uncertain significance (1 of 4 stars; one submission).

Submission:

Ambry Genetics
Classification: Uncertain significance. Last evaluated: 2024-03-02. Review status: criteria provided, single submitter. Criteria: Ambry Variant Classification Scheme 2023. Collection method: clinical testing. Allele origin: germline.
Comment: The p.A1999S variant (also known as c.5995G>T), located in coding exon 9 of the ALPK2 gene, results from a G to T substitution at nucleotide position 5995. The alanine at codon 1999 is replaced by serine, an amino acid with similar properties. This amino acid position is conserved. In addition, this alteration is predicted to be tolerated by in silico analysis. Based on the available evidence, the clinical significance of this alteration remains unclear.

NM_052947.4(ALPK2):c.5995G>T (p.Ala1999Ser)

Gene: ALPK2 (alpha kinase 2; minus strand). Cytogenetic location: 18q21.31.
Variant type: single nucleotide variant.
Coding change: c.5995G>T on transcript NM_052947.4 (MANE Select); coding-DNA position 5995, G replaced by T.
Protein change: p.Ala1999Ser; replaces alanine 1999 with serine.
Molecular consequence: missense variant.
Genome position (GRCh38, 1-based): chr18:58,515,027, C>A on the plus strand (G>T on the coding strand, the complement: ALPK2 is on the minus strand). VCF-style: chr18-58515027-C-A. GRCh37 (hg19) VCF-style: chr18-56182259-C-A.
Other names: short protein forms A1999S.
Identifiers: ClinVar variation 3228831 (VCV003228831.1), dbSNP rs2518861324, ClinGen allele CA402546222.